The following is an entry in ClinVar:

NM_000283.4(PDE6B):c.682C>A (p.Leu228Ile)

Gene: PDE6B (phosphodiesterase 6B; plus strand). Cytogenetic location: 4p16.3.
Variant type: single nucleotide variant.
Coding change: c.682C>A on transcript NM_000283.4 (MANE Select); coding-DNA position 682, C replaced by A.
Protein change: p.Leu228Ile; replaces leucine 228 with isoleucine.
Molecular consequence: missense variant.
Genome position (GRCh38, 1-based): chr4:635,940, C>A. VCF-style: chr4-635940-C-A. GRCh37 (hg19) VCF-style: chr4-629729-C-A.
Other names: c.682C>A, p.Leu228Ile (NM_001145291.2); short protein forms L228I.
Identifiers: ClinVar variation 349312 (VCV000349312.10), dbSNP rs201584824, ClinGen allele CA2794053.

ClinVar aggregate classification (germline): Conflicting classifications of pathogenicity. Review status: criteria provided, conflicting classifications (1 of 4 stars). 4 submissions from 3 submitters: Uncertain significance (3); Likely benign (1). Last evaluated 2025-06-24.

Conditions:
PDE6B-related disorder. Also called: PDE6B-related disorders; PDE6B-related disease; PDE6B-related condition.
Retinitis pigmentosa (RP). Identifiers: Orphanet 791, MedGen C0035334, MeSH D012174, MONDO:0019200, OMIM 268000. Inheritance: Autosomal dominant, autosomal recessive and X linked inheritance.
Congenital stationary night blindness autosomal dominant 2. Also called: NIGHT BLINDNESS, CONGENITAL STATIONARY, RAMBUSCH TYPE. Identifiers: Orphanet 215, MedGen C1876182, MONDO:0008099, OMIM 163500.

Allele frequency attached by ClinVar (database versions not stated): TOPMed 0.00003; ExAC 0.00006; gnomAD exomes 0.00006.
gnomAD v4.1: 58 of 1,609,322 alleles (0.0036%); highest among the groups gnomAD compares: Non-Finnish European, 0.00094%; no homozygotes.

Submissions (4):

PreventionGenetics, part of Exact Sciences
Classification: Uncertain significance for PDE6B-related condition. Last evaluated: 2025-06-24. Review status: criteria provided, single submitter. Criteria: ACMG Guidelines, 2015. Collection method: clinical testing. Allele origin: germline.
Comment: The PDE6B c.682C>A variant is predicted to result in the amino acid substitution p.Leu228Ile. This variant was reported in an individual with retinitis pigmentosa, however additional information was not provided (Cheng et al. 2016. PubMed ID: 27588261). This variant is reported in 0.14% of alleles in individuals of Ashkenazi Jewish descent in gnomAD. Although we suspect that this variant may be benign, at this time, the clinical significance of this variant is uncertain due to the absence of conclusive functional and genetic evidence.

Labcorp Genetics (formerly Invitae), Labcorp
Classification: Uncertain significance. Last evaluated: 2022-06-27. Review status: criteria provided, single submitter. Criteria: Invitae Variant Classification Sherloc (09022015). Collection method: clinical testing. Allele origin: germline.
Comment: In summary, the available evidence is currently insufficient to determine the role of this variant in disease. Therefore, it has been classified as a Variant of Uncertain Significance. Algorithms developed to predict the effect of missense changes on protein structure and function are either unavailable or do not agree on the potential impact of this missense change (SIFT: "Tolerated"; PolyPhen-2: "Probably Damaging"; Align-GVGD: "Class C0"). ClinVar contains an entry for this variant (Variation ID: 349312). This variant has not been reported in the literature in individuals affected with PDE6B-related conditions. This variant is present in population databases (rs201584824, gnomAD 0.1%). This sequence change replaces leucine, which is neutral and non-polar, with isoleucine, which is neutral and non-polar, at codon 228 of the PDE6B protein (p.Leu228Ile).

Illumina Laboratory Services, Illumina
Classification: Likely benign for Congenital stationary night blindness autosomal dominant 2. Last evaluated: 2018-01-12. Review status: criteria provided, single submitter. Criteria: ICSL Variant Classification Criteria 13 December 2019. Collection method: clinical testing. Allele origin: germline.
Comment: This variant was observed in the ICSL laboratory as part of a predisposition screen in an ostensibly healthy population. It had not been previously curated by ICSL or reported in the Human Gene Mutation Database (HGMD: prior to June 1st, 2018), and was therefore a candidate for classification through an automated scoring system. Utilizing variant allele frequency, disease prevalence and penetrance estimates, and inheritance mode, an automated score was calculated to assess if this variant is too frequent to cause the disease. Based on the score and internal cut-off values, a variant classified as likely benign is not then subjected to further curation. The score for this variant resulted in a classification of likely benign for this disease.

Illumina Laboratory Services, Illumina
Classification: Uncertain significance for Retinitis pigmentosa. Last evaluated: 2018-01-12. Review status: criteria provided, single submitter. Criteria: ICSL Variant Classification Criteria 13 December 2019. Collection method: clinical testing. Allele origin: germline.